The following is an entry in ClinVar:

ClinVar aggregate classification (germline): Pathogenic/Likely pathogenic. Review status: criteria provided, multiple submitters, no conflicts (2 of 4 stars). 5 submissions from 5 submitters: Pathogenic (4); Likely pathogenic (1). Last evaluated 2025-11-12.

Conditions:
LZTR1-related schwannomatosis. Also called: Schwannomatosis 2; Schwannomatosis-2, susceptibility to. Identifiers: Orphanet 93921, MedGen C3810283, MONDO:0014299, OMIM 615670.
Noonan syndrome 2 (NS2). Identifiers: Orphanet 648, MedGen C1854469, MONDO:0011531, OMIM 605275.
Noonan syndrome 10 (NS10). Identifiers: Orphanet 648, MedGen C4225280, MONDO:0014693, OMIM 616564.
LZTR1-related disorder. Also called: LZTR1-related disorders; LZTR1-related condition.

Submissions (5):

Labcorp Genetics (formerly Invitae), Labcorp
Classification: Pathogenic. Last evaluated: 2025-11-12. Review status: criteria provided, single submitter. Criteria: Invitae Variant Classification Sherloc (09022015). Collection method: clinical testing. Allele origin: germline.
Comment: This sequence change creates a premature translational stop signal (p.His459Profs*210) in the LZTR1 gene. It is expected to result in an absent or disrupted protein product. Loss-of-function variants in LZTR1 are known to be pathogenic (PMID: 24362817, 25335493, 25480913, 25795793, 29469822, 30368668, 30442762, 30442766, 30481304, 30859559). This variant is not present in population databases (gnomAD no frequency). This premature translational stop signal has been observed in individual(s) with muliple schwannomas (PMID: 25335493). ClinVar contains an entry for this variant (Variation ID: 967710). For these reasons, this variant has been classified as Pathogenic.

Blueprint Genetics
Classification: Pathogenic for LZTR1-related disorders. Last evaluated: 2024-11-15. Review status: criteria provided, single submitter. Criteria: ACMG Guidelines, 2015. Collection method: clinical testing. Allele origin: germline. Affected: yes. Observed: 5 variant alleles.

Fulgent Genetics
Classification: Pathogenic for Noonan syndrome 2; LZTR1-related schwannomatosis; Noonan syndrome 10. Last evaluated: 2024-04-26. Review status: criteria provided, single submitter. Criteria: ACMG Guidelines, 2015. Collection method: clinical testing. Allele origin: germline.

MGZ Medical Genetics Center
Classification: Likely pathogenic for LZTR1-related schwannomatosis. Last evaluated: 2021-10-28. Review status: criteria provided, single submitter. Criteria: ACMG Guidelines, 2015. Collection method: clinical testing. Allele origin: germline. Affected: yes. Observed: 1 variant allele.
Comment: ACMG criteria applied: PVS1, PM2_SUP

CENTOGENE GmbH and LLC - Guiding Precision Medicine
Classification: Pathogenic for LZTR1-related schwannomatosis. Last evaluated: 2018-12-07. Review status: criteria provided, single submitter. Criteria: ACMG Guidelines, 2015. Collection method: clinical testing. Allele origin: germline.

Literature cited by the submitters: PubMed 24362817 (cited by Labcorp Genetics (formerly Invitae), Labcorp); PubMed 25335493 (cited by Labcorp Genetics (formerly Invitae), Labcorp); PubMed 25480913 (cited by Labcorp Genetics (formerly Invitae), Labcorp); PubMed 25795793 (cited by Labcorp Genetics (formerly Invitae), Labcorp); PubMed 29469822 (cited by Labcorp Genetics (formerly Invitae), Labcorp); PubMed 30368668 (cited by Labcorp Genetics (formerly Invitae), Labcorp); PubMed 30442762 (cited by Labcorp Genetics (formerly Invitae), Labcorp); PubMed 30442766 (cited by Labcorp Genetics (formerly Invitae), Labcorp); PubMed 30481304 (cited by Labcorp Genetics (formerly Invitae), Labcorp); PubMed 30859559 (cited by Labcorp Genetics (formerly Invitae), Labcorp).

NM_006767.4(LZTR1):c.1373dup (p.His459fs)

Gene: LZTR1 (leucine zipper like post translational regulator 1; plus strand). Cytogenetic location: 22q11.21.
Variant type: Duplication.
Coding change: c.1373dup on transcript NM_006767.4 (MANE Select); coding-DNA position 1373, one base duplicated (G; older notation c.1373dupG).
Protein change: p.His459fs; shifts the reading frame from histidine 459.
Molecular consequence: frameshift variant.
Genome position (GRCh38, 1-based): chr22:20,993,943, G duplicated; the last of 3 consecutive G bases (chr22:20,993,941-20,993,943); duplicating any one gives the same sequence. VCF-style (leftmost placement, unchanged base first): chr22-20993940-A-AG. GRCh37 (hg19) VCF-style: chr22-21348229-A-AG.
Other names: short protein forms H459fs.
Identifiers: ClinVar variation 967710 (VCV000967710.14), dbSNP rs1924703709, ClinGen allele CA1139666975.